The following is an entry in ClinVar:

NM_003846.3(PEX11B):c.701T>C (p.Ile234Thr)

Gene: PEX11B (peroxisomal biogenesis factor 11 beta; minus strand). Cytogenetic location: 1q21.1.
Variant type: single nucleotide variant.
Coding change: c.701T>C on transcript NM_003846.3 (MANE Select); coding-DNA position 701, T replaced by C.
Protein change: p.Ile234Thr; replaces isoleucine 234 with threonine.
Molecular consequence: missense variant. On other transcripts: non-coding transcript variant (3).
Genome position (GRCh38, 1-based): chr1:145,912,240, A>G on the plus strand (T>C on the coding strand, the complement: PEX11B is on the minus strand). VCF-style: chr1-145912240-A-G. GRCh37 (hg19) VCF-style: chr1-145522840-T-C.
Other names: c.659T>C, p.Ile220Thr (NM_001184795.1); short protein forms I220T, I234T.
Identifiers: ClinVar variation 1441988 (VCV001441988.6), dbSNP rs2101855832, ClinGen allele CA342120462.

ClinVar aggregate classification (germline): Uncertain significance (1 of 4 stars; one submission).

Submission:

Labcorp Genetics (formerly Invitae), Labcorp
Classification: Uncertain significance. Last evaluated: 2026-01-05. Review status: criteria provided, single submitter. Criteria: Invitae Variant Classification Sherloc (09022015). Collection method: clinical testing. Allele origin: germline.
Comment: This sequence change replaces isoleucine, which is neutral and non-polar, with threonine, which is neutral and polar, at codon 234 of the PEX11B protein (p.Ile234Thr). This variant is not present in population databases (gnomAD no frequency). This variant has not been reported in the literature in individuals affected with PEX11B-related conditions. ClinVar contains an entry for this variant (Variation ID: 1441988). An algorithm developed to predict the effect of missense changes on protein structure and function (PolyPhen-2) suggests that this variant is likely to be tolerated. In summary, the available evidence is currently insufficient to determine the role of this variant in disease. Therefore, it has been classified as a Variant of Uncertain Significance.